The following continues an entry in ClinVar:

NM_000157.4(GBA1):c.1505G>A (p.Arg502His)

ClinVar aggregate classification (germline): Pathogenic/Likely pathogenic. Pathogenic (8); Likely pathogenic (1).

Submissions 8 to 10 of 10:

Women's Health and Genetics/Laboratory Corporation of America, LabCorp
Classification: Pathogenic for Gaucher disease. Last evaluated: 2019-05-20. Review status: criteria provided, single submitter. Criteria: LabCorp Variant Classification Summary - May 2015. Collection method: clinical testing. Allele origin: germline.
Comment: Variant summary: GBA c.1505G>A (p.Arg502His) results in a non-conservative amino acid change located in the Glycosyl hydrolase family 30, beta sandwich domain (IPR033452) of the encoded protein sequence. Five of five in-silico tools predict a damaging effect of the variant on protein function. Several computational tools predict a significant impact on normal splicing: Two predict the variant abolishes a 5' splicing donor site. Three predict the variant weakens a 5' donor site. Two predict the variant creates a 3' acceptor site. At least one publication reports that this mutation resulted in altered splicing. The authors report that in the mutant allele, the normal 5'splicing site was not recognized and instead the next in intron 10 was used as splicing donor site. This resulted in a 12bp insertion in the mRNA downstream from codon 463 resulting in a new stop codon (Ohshima_1993). The variant allele was found at a frequency of 8e-06 in 251168 control chromosomes (gnomAD) and has been reported in the literature in multiple individuals (both homozygous and compound heterozygous) affected with Gaucher Disease ((Haverkaemper_2011, Alfonso_2007, Shehi_2011, Ohshima_1993, Moraitou_2001). These data indicate that the variant is very likely to be associated with disease. At least one publication reports reduced enzymatic activity in a homozygous patient (Haverkaemper_2011). One clinical diagnostic laboratory has submitted clinical-significance assessments for this variant to ClinVar after 2014 without evidence for independent evaluation and classified the variant as likely pathogenic. Based on the evidence outlined above, the variant was classified as pathogenic.

Baylor Genetics
Classification: Pathogenic for Gaucher disease type I; Gaucher disease type II; Gaucher disease type III; Gaucher disease-ophthalmoplegia-cardiovascular calcification syndrome. Review status: criteria provided, single submitter. Criteria: ACMG Guidelines, 2015. Collection method: clinical testing. Allele origin: germline.

GeneReviews
No classification provided. Condition: Gaucher disease. Review status: no classification provided. Collection method: literature only. Allele origin: unknown. Not counted in ClinVar's aggregate classification.

Literature cited by the submitters: PubMed 17427031 (cited by 6 submitters); PubMed 7694727 (cited by Labcorp Genetics (formerly Invitae), Labcorp and Women's Health and Genetics/Laboratory Corporation of America, LabCorp); PubMed 21455010 (cited by 3 submitters); PubMed 22812582 (cited by Labcorp Genetics (formerly Invitae), Labcorp); PubMed 23588557 (cited by Labcorp Genetics (formerly Invitae), Labcorp); PubMed 24313877 (cited by Labcorp Genetics (formerly Invitae), Labcorp); PubMed 29140481 (cited by Labcorp Genetics (formerly Invitae), Labcorp); PubMed 17576681 (cited by Labcorp Genetics (formerly Invitae), Labcorp); PubMed 9536098 (cited by Labcorp Genetics (formerly Invitae), Labcorp); PubMed 28727984 (cited by Broad Center for Mendelian Genomics, Broad Institute of MIT and Harvard); PubMed 23332636 (cited by Broad Center for Mendelian Genomics, Broad Institute of MIT and Harvard); PubMed 25435509 (cited by Broad Center for Mendelian Genomics, Broad Institute of MIT and Harvard); PubMed 23056756 (cited by Myriad Genetics, Inc. and Women's Health and Genetics/Laboratory Corporation of America, LabCorp); PubMed 24278166 (cited by Myriad Genetics, Inc.); PubMed 22429443 (cited by Myriad Genetics, Inc.); PubMed 21823541 (cited by Myriad Genetics, Inc.); PubMed 11406344 (cited by Women's Health and Genetics/Laboratory Corporation of America, LabCorp); PubMed 20301446 (cited by GeneReviews); NCBI Bookshelf NBK1269 (cited by GeneReviews).